The following is an entry in ClinVar:

ClinVar aggregate classification (germline): Benign. Review status: reviewed by expert panel (3 of 4 stars). 4 submissions from 4 submitters: Benign (1). 3 of the submissions do not count toward it. Last evaluated 2017-04-18.

Conditions:
RASopathy. Also called: Noonan spectrum disorder; rasopathies. Identifiers: Orphanet 536391, MedGen C5555857, MONDO:0021060.

Allele frequency attached by ClinVar (database versions not stated): gnomAD 0.00001 and 0.00003; TOPMed 0.00001; gnomAD exomes 0.00008 and 0.00010; ExAC 0.00009.
gnomAD v4.1: 148 of 1,613,860 alleles (0.0092%); highest among the groups gnomAD compares: East Asian, 0.31%; no homozygotes.

Submissions (4):

ClinGen RASopathy Variant Curation Expert Panel
Classification: Benign for Noonan syndrome and Noonan-related syndrome. Last evaluated: 2017-04-18. Review status: reviewed by expert panel. Criteria: ClinGen RASopathy ACMG Specifications v1. Collection method: curation. Allele origin: germline. Inheritance: Autosomal dominant inheritance.
Comment: The filtering allele frequency of the c.1772A>G (p.Asn591Ser) variant in the SOS1 gene is 0.054% (11/11524) of Latino chromosomes by the Exome Aggregation Consortium, which is a high enough frequency to be classified as benign based on thresholds defined by the ClinGen RASopathy Expert Panel (BA1; PMID:29493581)

Labcorp Genetics (formerly Invitae), Labcorp
Classification: Likely benign for RASopathy. Last evaluated: 2026-01-18. Review status: criteria provided, single submitter. Criteria: Invitae Variant Classification Sherloc (09022015). Collection method: clinical testing. Allele origin: germline. Not counted in ClinVar's aggregate classification.

Blueprint Genetics
Classification: Likely benign. Last evaluated: 2019-10-30. Review status: criteria provided, single submitter. Criteria: ACMG Guidelines, 2015. Collection method: clinical testing. Allele origin: germline. Not counted in ClinVar's aggregate classification.

Women's Health and Genetics/Laboratory Corporation of America, LabCorp
Classification: Benign. Last evaluated: 2017-03-12. Review status: criteria provided, single submitter. Criteria: LabCorp Variant Classification Summary - May 2015. Collection method: clinical testing. Allele origin: germline. Not counted in ClinVar's aggregate classification.
Comment: Variant summary: The c.976A>G (p.Ile326Val) in BRAF gene is a missense change that involves a non-conserved nucleotide and 5/5 in silico tools predict benign outcome. The variant is located outside of any known functional domain and behaved like wildtype in phosphorylation assay (Razzaque_2007). The variant is present in the large control population datasets of ExAC and gnomAD at a frequency 0.00009 and 0.000075, respectively (11/ 121408 and 21/ 277182 chrs tested, respectively), predominantly in individuals of East Asian descent ( allele frequency: 0.00104 and 0.0007, respectively). These frequencies exceed the maximal estimated expected frequency of a pathogenic allele (0.0000025) in this gene. E501K, a known pathogenic variant associated with CFC. Taking together, the variant was classified as Benign.

Literature cited by the submitters: PubMed 24066114 (cited by Women's Health and Genetics/Laboratory Corporation of America, LabCorp); PubMed 17603482 (cited by Women's Health and Genetics/Laboratory Corporation of America, LabCorp); PubMed 22675565 (cited by Women's Health and Genetics/Laboratory Corporation of America, LabCorp).

NM_004333.6(BRAF):c.976A>G (p.Ile326Val)

Gene: BRAF (B-Raf proto-oncogene, serine/threonine kinase; minus strand). Cytogenetic location: 7q34.
Variant type: single nucleotide variant.
Coding change: c.976A>G on transcript NM_004333.6 (MANE Select); coding-DNA position 976, A replaced by G.
Protein change: p.Ile326Val; replaces isoleucine 326 with valine.
Molecular consequence: missense variant.
Genome position (GRCh38, 1-based): chr7:140,800,366, T>C on the plus strand (A>G on the coding strand, the complement: BRAF is on the minus strand). VCF-style: chr7-140800366-T-C. GRCh37 (hg19) VCF-style: chr7-140500166-T-C.
Other names: NM_004333.4(BRAF):c.976A>G; c.976A>G, p.Ile326Val (NM_001354609.2, NM_001374244.1, NM_001374258.1 and 4 more transcripts); c.985A>G, p.Ile329Val (NM_001378467.1); c.874A>G, p.Ile292Val (NM_001378470.1); c.820A>G, p.Ile274Val (NM_001378472.1, NM_001378473.1); c.712A>G, p.Ile238Val (NM_001378475.1); short protein forms I326V, I238V, I274V, I292V, I329V.
Identifiers: ClinVar variation 417225 (VCV000417225.12), dbSNP rs775040765, ClinGen allele CA4516861.